The following is an entry in ClinVar:

ClinVar aggregate classification (germline): Pathogenic (1 of 4 stars; one submission).

Conditions:
Landau-Kleffner syndrome (FESD). Also called: EPILEPSY, FOCAL, WITH SPEECH DISORDER AND WITH OR WITHOUT MENTAL RETARDATION; APHASIA, ACQUIRED, WITH EPILEPSY. Identifiers: Orphanet 1945, Orphanet 725, Orphanet 98818, MedGen C0282512, MONDO:0009509, OMIM 245570.

Submission:

Labcorp Genetics (formerly Invitae), Labcorp
Classification: Pathogenic for Landau-Kleffner syndrome. Last evaluated: 2024-03-25. Review status: criteria provided, single submitter. Criteria: Invitae Variant Classification Sherloc (09022015). Collection method: clinical testing. Allele origin: germline.
Comment: This sequence change creates a premature translational stop signal (p.Trp378*) in the GRIN2A gene. It is expected to result in an absent or disrupted protein product. Loss-of-function variants in GRIN2A are known to be pathogenic (PMID: 23933819, 23933820). This variant is not present in population databases (gnomAD no frequency). This variant has not been reported in the literature in individuals affected with GRIN2A-related conditions. For these reasons, this variant has been classified as Pathogenic.

Literature cited by the submitters: PubMed 23933819; PubMed 23933820.

NM_001134407.3(GRIN2A):c.1133G>A (p.Trp378Ter)

Gene: GRIN2A (glutamate ionotropic receptor NMDA type subunit 2A; minus strand). Cytogenetic location: 16p13.2.
Variant type: single nucleotide variant.
Coding change: c.1133G>A on transcript NM_001134407.3 (MANE Select); coding-DNA position 1133, G replaced by A.
Protein change: p.Trp378Ter; replaces tryptophan 378 with a stop codon.
Molecular consequence: nonsense.
Genome position (GRCh38, 1-based): chr16:9,849,951, C>T on the plus strand (G>A on the coding strand, the complement: GRIN2A is on the minus strand). VCF-style: chr16-9849951-C-T. GRCh37 (hg19) VCF-style: chr16-9943808-C-T.
Other names: c.1133G>A, p.Trp378Ter (NM_000833.5, NM_001134408.2); short protein forms W378*.
Identifiers: ClinVar variation 3638290 (VCV003638290.2).